The following is an entry in ClinVar:

NM_005055.5(RAPSN):c.966+1_966+2delinsAG

Gene: RAPSN (receptor associated protein of the synapse; minus strand). Cytogenetic location: 11p11.2.
Variant type: Indel.
Coding change: c.966+1_966+2delinsAG on transcript NM_005055.5 (MANE Select); the canonical splice donor site of the intron after coding-DNA position 966, GT replaced by AG.
Molecular consequence: splice donor variant. On other transcripts: intron variant (1).
Genome position (GRCh38, 1-based): chr11:47,441,157-47,441,158, AC replaced by CT on the plus strand (GT replaced by AG on the coding strand, the reverse complement: RAPSN is on the minus strand). VCF-style: chr11-47441157-AC-CT. GRCh37 (hg19) VCF-style: chr11-47462708-AC-CT.
Other names: c.789+665_789+666delinsAG (NM_032645.5).
Identifiers: ClinVar variation 1481997 (VCV001481997.8), dbSNP rs2153308170, ClinGen allele CA2573147333.

ClinVar aggregate classification (germline): Pathogenic/Likely pathogenic. Review status: criteria provided, multiple submitters, no conflicts (2 of 4 stars). 3 submissions from 3 submitters: Pathogenic (1); Likely pathogenic (2). Last evaluated 2024-09-10.

Conditions:
Fetal akinesia deformation sequence 2. Identifiers: MedGen C4760576, MONDO:0100102, OMIM 618388.
Congenital myasthenic syndrome 11. Also called: Myasthenic syndrome, congenital, 11, associated with acetylcholine receptor deficiency; MYASTHENIC SYNDROME, CONGENITAL, Ie. Identifiers: Orphanet 590, MedGen C4225367, MONDO:0014588, OMIM 616326.
Fetal akinesia deformation sequence 1 (FADS1). Also called: Pena-Shokeir syndrome type I; Fetal akinesia sequence. Identifiers: Orphanet 994, MedGen C1276035, MONDO:0100101, OMIM 208150, HP:0001989.
Congenital myasthenic syndrome (CMS). Also called: Congenital Myasthenic Syndromes. Identifiers: Orphanet 590, MedGen C0751882, MeSH D020294, MONDO:0018940.

Submissions (3):

Women's Health and Genetics/Laboratory Corporation of America, LabCorp
Classification: Likely pathogenic for Congenital myasthenic syndrome. Last evaluated: 2024-09-10. Review status: criteria provided, single submitter. Criteria: LabCorp Variant Classification Summary - May 2015. Collection method: clinical testing. Allele origin: germline.
Comment: Variant summary: RAPSN c.966+1_966+2delinsAG is located in a canonical splice-site and is predicted to affect mRNA splicing resulting in a significantly altered protein due to either exon skipping, shortening, or inclusion of intronic material. Variants that disrupt the consensus splice site are a relatively common cause of aberrant splicing and loss of RAPSN function. Several computational tools predict a significant impact on normal splicing: Four predict the variant abolishes a 5' splicing donor site. However, these predictions have yet to be confirmed by functional studies. The variant was absent in 1613882 control chromosomes. c.966+1_966+2delinsAG has been reported in the literature in individuals affected with Congenital Myasthenic Syndrome (Milone_2009). To our knowledge, no experimental evidence demonstrating an impact on protein function has been reported. The following publication have been ascertained in the context of this evaluation (PMID: 19620612). ClinVar contains an entry for this variant (Variation ID: 1481997). Based on the evidence outlined above, the variant was classified as likely pathogenic.

Labcorp Genetics (formerly Invitae), Labcorp
Classification: Likely pathogenic for Congenital myasthenic syndrome 11; Fetal akinesia deformation sequence 1. Last evaluated: 2024-06-19. Review status: criteria provided, single submitter. Criteria: Invitae Variant Classification Sherloc (09022015). Collection method: clinical testing. Allele origin: germline.
Comment: This sequence change affects a splice site in intron 6 of the RAPSN gene. It is expected to disrupt RNA splicing. Variants that disrupt the donor or acceptor splice site typically lead to a loss of protein function (PMID: 16199547), and loss-of-function variants in RAPSN are known to be pathogenic (PMID: 17686188). Information on the frequency of this variant in the gnomAD database is not available, as this variant may be reported differently in the database. Disruption of this splice site has been observed in individual(s) with clinical features of RAPSN-related conditions (PMID: 19620612). ClinVar contains an entry for this variant (Variation ID: 1481997). In summary, the currently available evidence indicates that the variant is pathogenic, but additional data are needed to prove that conclusively. Therefore, this variant has been classified as Likely Pathogenic.

Baylor Genetics
Classification: Pathogenic for Fetal akinesia deformation sequence 2. Last evaluated: 2023-04-18. Review status: criteria provided, single submitter. Criteria: ACMG Guidelines, 2015. Collection method: clinical testing. Allele origin: unknown.

Literature cited by the submitters: PubMed 19620612 (cited by Women's Health and Genetics/Laboratory Corporation of America, LabCorp and Labcorp Genetics (formerly Invitae), Labcorp); PubMed 16199547 (cited by Labcorp Genetics (formerly Invitae), Labcorp); PubMed 17686188 (cited by Labcorp Genetics (formerly Invitae), Labcorp).